The following is an entry in ClinVar:

ClinVar aggregate classification (germline): Uncertain significance. Review status: criteria provided, multiple submitters, no conflicts (2 of 4 stars). 2 submissions from 2 submitters: Uncertain significance (2). Last evaluated 2025-11-10.

Allele frequency attached by ClinVar (database versions not stated): ExAC 0.00002; gnomAD exomes 0.00005; ESP Exome Variant Server 0.00008; gnomAD 0.00015 and 0.00019; TOPMed 0.00024.
gnomAD v4.1: 102 of 1,613,976 alleles (0.0063%); highest among the groups gnomAD compares: Admixed American, 0.04%; no homozygotes.

Submissions (2):

Labcorp Genetics (formerly Invitae), Labcorp
Classification: Uncertain significance. Last evaluated: 2025-11-10. Review status: criteria provided, single submitter. Criteria: Invitae Variant Classification Sherloc (09022015). Collection method: clinical testing. Allele origin: germline.
Comment: This sequence change replaces alanine, which is neutral and non-polar, with threonine, which is neutral and polar, at codon 564 of the PRPF6 protein (p.Ala564Thr). This variant is present in population databases (rs372536656, gnomAD 0.02%). This variant has not been reported in the literature in individuals affected with PRPF6-related conditions. ClinVar contains an entry for this variant (Variation ID: 849782). Invitae Evidence Modeling of protein sequence and biophysical properties (such as structural, functional, and spatial information, amino acid conservation, physicochemical variation, residue mobility, and thermodynamic stability) indicates that this missense variant is not expected to disrupt PRPF6 protein function with a negative predictive value of 80%. In summary, the available evidence is currently insufficient to determine the role of this variant in disease. Therefore, it has been classified as a Variant of Uncertain Significance.

Blueprint Genetics
Classification: Uncertain significance. Last evaluated: 2024-02-27. Review status: criteria provided, single submitter. Criteria: ACMG Guidelines, 2015. Collection method: clinical testing. Allele origin: germline.

NM_012469.4(PRPF6):c.1690G>A (p.Ala564Thr)

Gene: PRPF6 (pre-mRNA processing factor 6; plus strand). Cytogenetic location: 20q13.33.
Variant type: single nucleotide variant.
Coding change: c.1690G>A on transcript NM_012469.4 (MANE Select); coding-DNA position 1690, G replaced by A.
Protein change: p.Ala564Thr; replaces alanine 564 with threonine.
Molecular consequence: missense variant.
Genome position (GRCh38, 1-based): chr20:64,022,799, G>A. VCF-style: chr20-64022799-G-A. GRCh37 (hg19) VCF-style: chr20-62654152-G-A.
Other names: short protein forms A564T.
Identifiers: ClinVar variation 849782 (VCV000849782.8), dbSNP rs372536656, ClinGen allele CA9972263.